The following is an entry in ClinVar:

NM_198525.3(KIF7):c.2326G>C (p.Asp776His)

Gene: KIF7 (kinesin family member 7; minus strand). Cytogenetic location: 15q26.1.
Variant type: single nucleotide variant.
Coding change: c.2326G>C on transcript NM_198525.3 (MANE Select); coding-DNA position 2326, G replaced by C.
Protein change: p.Asp776His; replaces aspartic acid 776 with histidine.
Molecular consequence: missense variant.
Genome position (GRCh38, 1-based): chr15:89,642,271, C>G on the plus strand (G>C on the coding strand, the complement: KIF7 is on the minus strand). VCF-style: chr15-89642271-C-G. GRCh37 (hg19) VCF-style: chr15-90185502-C-G.
Other names: short protein forms D776H.
Identifiers: ClinVar variation 1470001 (VCV001470001.6), dbSNP rs1249809748, ClinGen allele CA393761490.
Genomic context (GRCh38, chr15:89,642,271, plus strand): 5'-GGCTCTGGGCCGCAGCGACCCTCCTGCGGAACTCCTGGAGCCGAGACCGCTCGCCAGCAT[C>G]CTGGAGCTCCTTGCCCTCGAGCTCCCGCAGCTGCCTCTGGCCTTCACTCAGCTCGGCCCG-3'
Protein context (NP_940927.2, residues 766-786): LRELEGKELQ[Asp776His]AGERSRLQEF

ClinVar aggregate classification (germline): Uncertain significance (1 of 4 stars; one submission).

Conditions:
Acrocallosal syndrome (ACLS). Also called: Schinzel syndrome 1; Absence of corpus callosum with unusual facial appearance, mental deficiency, duplication of the halluces and polydactyly; HALLUX DUPLICATION, POSTAXIAL POLYDACTYLY, AND ABSENCE OF CORPUS CALLOSUM. Identifiers: Orphanet 36, MedGen C0796147, MONDO:0008708, OMIM 200990.

Allele frequency attached by ClinVar (database versions not stated): TOPMed below 0.00001; gnomAD 0.00001.
gnomAD v4.1: 1 of 1,610,412 alleles (0.000062%); highest among the groups gnomAD compares: Non-Finnish European, 0.000085%; no homozygotes.

Submission:

Labcorp Genetics (formerly Invitae), Labcorp
Classification: Uncertain significance for Acrocallosal syndrome. Last evaluated: 2024-10-25. Review status: criteria provided, single submitter. Criteria: Invitae Variant Classification Sherloc (09022015). Collection method: clinical testing. Allele origin: germline.
Comment: This sequence change replaces aspartic acid, which is acidic and polar, with histidine, which is basic and polar, at codon 776 of the KIF7 protein (p.Asp776His). This variant is not present in population databases (gnomAD no frequency). This variant has not been reported in the literature in individuals affected with KIF7-related conditions. ClinVar contains an entry for this variant (Variation ID: 1470001). Invitae Evidence Modeling of protein sequence and biophysical properties (such as structural, functional, and spatial information, amino acid conservation, physicochemical variation, residue mobility, and thermodynamic stability) indicates that this missense variant is not expected to disrupt KIF7 protein function with a negative predictive value of 80%. In summary, the available evidence is currently insufficient to determine the role of this variant in disease. Therefore, it has been classified as a Variant of Uncertain Significance.